The following is an entry in ClinVar:

NM_000901.5(NR3C2):c.-213G>A

Genes: NR3C2 (nuclear receptor subfamily 3 group C member 2; minus strand), LOC129993215 (ATAC-STARR-seq lymphoblastoid silent region 15744; plus strand). Cytogenetic location: 4q31.23.
Variant type: single nucleotide variant.
Coding change: c.-213G>A on transcript NM_000901.5 (MANE Select); 213 bases upstream of the start codon, G replaced by A.
Molecular consequence: 5 prime UTR variant. On other transcripts: non-coding transcript variant (1), intron variant (1).
Genome position (GRCh38, 1-based): chr4:148,442,370, C>T on the plus strand (G>A on the coding strand, the complement: NR3C2 is on the minus strand). VCF-style: chr4-148442370-C-T. GRCh37 (hg19) VCF-style: chr4-149363522-C-T.
Other names: c.-213G>A (NM_001166104.2); c.-3+2156G>A (NM_001354819.1).
Identifiers: ClinVar variation 347743 (VCV000347743.5), dbSNP rs571381864, ClinGen allele CA10617197.

ClinVar aggregate classification (germline): Benign (1 of 4 stars; one submission).

Conditions:
Autosomal dominant pseudohypoaldosteronism type 1. Also called: Pseudohypoaldosteronism, Type I, Autosomal Dominant; PHA I, AUTOSOMAL DOMINANT; Pseudohypoaldosteronism, Type I, Dominant. Identifiers: Orphanet 171871, Orphanet 756, MedGen C1449842, MONDO:0008329, OMIM 177735.

Allele frequency attached by ClinVar (database versions not stated): 1000 Genomes Project 0.00060; 1000 Genomes Project 30x 0.00109; gnomAD 0.00141; TOPMed 0.00155.

Submission:

Illumina Laboratory Services, Illumina
Classification: Benign for Autosomal dominant pseudohypoaldosteronism type 1. Last evaluated: 2018-01-12. Review status: criteria provided, single submitter. Criteria: ICSL Variant Classification Criteria 13 December 2019. Collection method: clinical testing. Allele origin: germline.
Comment: This variant was observed in the ICSL laboratory as part of a predisposition screen in an ostensibly healthy population. It had not been previously curated by ICSL or reported in the Human Gene Mutation Database (HGMD: prior to June 1st, 2018), and was therefore a candidate for classification through an automated scoring system. Utilizing variant allele frequency, disease prevalence and penetrance estimates, and inheritance mode, an automated score was calculated to assess if this variant is too frequent to cause the disease. Based on the score and internal cut-off values, a variant classified as benign is not then subjected to further curation. The score for this variant resulted in a classification of benign for this disease.